The following is an entry in ClinVar:

ClinVar aggregate classification (germline): Uncertain significance (1 of 4 stars; one submission).

Submission:

Labcorp Genetics (formerly Invitae), Labcorp
Classification: Uncertain significance. Last evaluated: 2022-08-22. Review status: criteria provided, single submitter. Criteria: Invitae Variant Classification Sherloc (09022015). Collection method: clinical testing. Allele origin: germline.
Comment: In summary, the available evidence is currently insufficient to determine the role of this variant in disease. Therefore, it has been classified as a Variant of Uncertain Significance. Variants that disrupt the consensus splice site are a relatively common cause of aberrant splicing (PMID: 17576681, 9536098). Algorithms developed to predict the effect of sequence changes on RNA splicing suggest that this variant may disrupt the consensus splice site. This variant has not been reported in the literature in individuals affected with GPR179-related conditions. This variant is not present in population databases (gnomAD no frequency). This sequence change affects codon 630 of the GPR179 mRNA. It is a 'silent' change, meaning that it does not change the encoded amino acid sequence of the GPR179 protein. This variant also falls at the last nucleotide of exon 9, which is part of the consensus splice site for this exon.

Literature cited by the submitters: PubMed 17576681; PubMed 9536098.

NM_001004334.4(GPR179):c.1890G>A (p.Lys630=)

Gene: GPR179 (G protein-coupled receptor 179; minus strand). Cytogenetic location: 17q12.
Variant type: single nucleotide variant.
Coding change: c.1890G>A on transcript NM_001004334.4 (MANE Select); coding-DNA position 1890, G replaced by A.
Protein change: p.Lys630=; no amino-acid change (lysine 630 retained).
Molecular consequence: synonymous variant.
Genome position (GRCh38, 1-based): chr17:38,333,933, C>T on the plus strand (G>A on the coding strand, the complement: GPR179 is on the minus strand). VCF-style: chr17-38333933-C-T. GRCh37 (hg19) VCF-style: chr17-36489816-C-T.
Identifiers: ClinVar variation 2122814 (VCV002122814.4), dbSNP rs2512166037, ClinGen allele CA2580093651.